The following is an entry in ClinVar:

NM_021098.3(CACNA1H):c.2451+4C>T

Gene: CACNA1H (calcium voltage-gated channel subunit alpha1 H; plus strand). Cytogenetic location: 16p13.3.
Variant type: single nucleotide variant.
Coding change: c.2451+4C>T on transcript NM_021098.3 (MANE Select); 4 bases into the intron after coding-DNA position 2451, C replaced by T.
Molecular consequence: intron variant.
Genome position (GRCh38, 1-based): chr16:1,204,462, C>T. VCF-style: chr16-1204462-C-T. GRCh37 (hg19) VCF-style: chr16-1254462-C-T.
Other names: c.2451+4C>T (NM_001005407.2).
Identifiers: ClinVar variation 1370200 (VCV001370200.7), dbSNP rs764605459, ClinGen allele CA7800248.

ClinVar aggregate classification (germline): Uncertain significance. Review status: criteria provided, multiple submitters, no conflicts (2 of 4 stars). 2 submissions from 2 submitters: Uncertain significance (2). Last evaluated 2024-03-28.

Conditions:
Epilepsy, childhood absence, susceptibility to, 6. Identifiers: Orphanet 64280, MedGen C2749872, MONDO:0012763, OMIM 611942.
Hyperaldosteronism, familial, type IV (HALD4). Also called: ALDOSTERONISM, PRIMARY, AND HYPERTENSION; FH IV. Identifiers: Orphanet 642671, MedGen C4310756, MONDO:0014875, OMIM 617027.
Idiopathic generalized epilepsy. Also called: Generalised epilepsy; EIG. Identifiers: MedGen C0270850, MONDO:0005579, OMIM 600669.

Allele frequency attached by ClinVar (database versions not stated): TOPMed 0.00001; gnomAD exomes 0.00003; ExAC 0.00004.

Submissions (2):

Fulgent Genetics
Classification: Uncertain significance for Epilepsy, childhood absence, susceptibility to, 6; Hyperaldosteronism, familial, type IV. Last evaluated: 2024-03-28. Review status: criteria provided, single submitter. Criteria: ACMG Guidelines, 2015. Collection method: clinical testing. Allele origin: germline.

Labcorp Genetics (formerly Invitae), Labcorp
Classification: Uncertain significance for Idiopathic generalized epilepsy; Hyperaldosteronism, familial, type IV. Last evaluated: 2022-02-02. Review status: criteria provided, single submitter. Criteria: Invitae Variant Classification Sherloc (09022015). Collection method: clinical testing. Allele origin: germline.
Comment: In summary, the available evidence is currently insufficient to determine the role of this variant in disease. Therefore, it has been classified as a Variant of Uncertain Significance. Variants that disrupt the consensus splice site are a relatively common cause of aberrant splicing (PMID: 17576681, 9536098). Algorithms developed to predict the effect of sequence changes on RNA splicing suggest that this variant may disrupt the consensus splice site. This variant has not been reported in the literature in individuals affected with CACNA1H-related conditions. This variant is present in population databases (rs764605459, gnomAD 0.02%). This sequence change falls in intron 10 of the CACNA1H gene. It does not directly change the encoded amino acid sequence of the CACNA1H protein. It affects a nucleotide within the consensus splice site.

Literature cited by the submitters: PubMed 17576681 (cited by Labcorp Genetics (formerly Invitae), Labcorp); PubMed 9536098 (cited by Labcorp Genetics (formerly Invitae), Labcorp).